The following is an entry in ClinVar:

ClinVar aggregate classification (germline): Uncertain significance (1 of 4 stars; one submission).

Submission:

Biesecker Lab/Clinical Genomics Section, National Institutes of Health
Classification: Uncertain significance. Last evaluated: 2013-06-24. Review status: criteria provided, single submitter. Criteria: Ng et al. (Circ Cardiovasc Genet. 2013). Collection method: research. Allele origin: unknown. Observed: 1 variant allele. Study: ClinSeq.
Comment: The study set was not selected for affection status in relation to any cancer. Pathogenicity categories were based on literature curation. See Pubmed ID:23861362 for details.

Medical sequencing

NM_020297.4(ABCC9):c.406+2111C>G

Gene: ABCC9 (ATP binding cassette subfamily C member 9; minus strand). Cytogenetic location: 12p12.1.
Variant type: single nucleotide variant.
Coding change: c.406+2111C>G on transcript NM_020297.4 (MANE Select); 2111 bases into the intron after coding-DNA position 406, C replaced by G.
Molecular consequence: intron variant.
Genome position (GRCh38, 1-based): chr12:21,923,831, G>C on the plus strand (C>G on the coding strand, the complement: ABCC9 is on the minus strand). VCF-style: chr12-21923831-G-C. GRCh37 (hg19) VCF-style: chr12-22076765-G-C.
Other names: c.-49+2111C>G (NM_001377274.1); c.406+2111C>G (NM_005691.4, NM_001377273.1).
Identifiers: ClinVar variation 191590 (VCV000191590.1), dbSNP rs786205274, ClinGen allele CA237008.